The following is an entry in ClinVar:

NM_033028.5(BBS4):c.1016_1017del (p.Glu339fs)

Gene: BBS4 (Bardet-Biedl syndrome 4; plus strand). Cytogenetic location: 15q24.1.
Variant type: Deletion.
Coding change: c.1016_1017del on transcript NM_033028.5 (MANE Select); coding-DNA positions 1016 to 1017, 2 bases deleted (AG; older notation c.1016_1017delAG).
Protein change: p.Glu339fs; shifts the reading frame from glutamic acid 339.
Molecular consequence: frameshift variant. On other transcripts: non-coding transcript variant (2).
Genome position (GRCh38, 1-based): chr15:72,731,706-72,731,707, AG deleted; deleting any 2 consecutive bases within chr15:72,731,705-72,731,707 gives the same sequence; the c. name uses the placement nearest the transcript's 3' end. VCF-style (leftmost placement, unchanged base first): chr15-72731704-GGA-G. GRCh37 (hg19) VCF-style: chr15-73024045-GGA-G.
Other names: c.500_501del, p.Glu167fs (NM_001252678.2); c.947_948del, p.Glu316fs (NM_001320665.2); short protein forms E316fs, E339fs, E167fs.
Identifiers: ClinVar variation 2023901 (VCV002023901.4), dbSNP rs2542999063, ClinGen allele CA2580089999.

ClinVar aggregate classification (germline): Pathogenic (1 of 4 stars; one submission).

Conditions:
Bardet-Biedl syndrome (BBS). Identifiers: Orphanet 110, MedGen C0752166, MONDO:0015229.

Submission:

Labcorp Genetics (formerly Invitae), Labcorp
Classification: Pathogenic for Bardet-Biedl syndrome. Last evaluated: 2022-08-12. Review status: criteria provided, single submitter. Criteria: Invitae Variant Classification Sherloc (09022015). Collection method: clinical testing. Allele origin: germline.
Comment: This sequence change creates a premature translational stop signal (p.Glu339Alafs*30) in the BBS4 gene. It is expected to result in an absent or disrupted protein product. Loss-of-function variants in BBS4 are known to be pathogenic (PMID: 11381270, 12016587, 20177705, 27894351). For these reasons, this variant has been classified as Pathogenic. This variant has not been reported in the literature in individuals affected with BBS4-related conditions. This variant is not present in population databases (gnomAD no frequency).

Literature cited by the submitters: PubMed 11381270; PubMed 12016587; PubMed 20177705; PubMed 27894351.